The following is an entry in ClinVar:

NM_004360.5(CDH1):c.25_26del (p.Ser9fs)

Gene: CDH1 (cadherin 1; plus strand). Cytogenetic location: 16q22.1.
Variant type: Microsatellite.
Coding change: c.25_26del on transcript NM_004360.5 (MANE Select); coding-DNA positions 25 to 26, 2 bases deleted (TC; older notation c.25_26delTC).
Protein change: p.Ser9fs; shifts the reading frame from serine 9.
Molecular consequence: frameshift variant. On other transcripts: 5 prime UTR variant (2).
Genome position (GRCh38, 1-based): chr16:68,737,440-68,737,441, TC deleted; deleting any 2 consecutive bases within chr16:68,737,437-68,737,441 gives the same sequence; the c. name uses the placement nearest the transcript's 3' end. VCF-style (leftmost placement, unchanged base first): chr16-68737436-CCT-C. GRCh37 (hg19) VCF-style: chr16-68771339-CCT-C.
Other names: c.25_26del, p.Ser9fs (NM_001317184.2); c.-1593TC[1] (NM_001317185.2); c.-1797TC[1] (NM_001317186.2); short protein forms S9fs.
Identifiers: ClinVar variation 2583287 (VCV002583287.2), dbSNP rs2543814135, ClinGen allele CA2582342540.
Genomic context (GRCh38, chr16:68,737,436, plus strand): 5'-GCACCCGGCGCCTGCCCTCGCTCGGCGTCCCCGGCCAGCCATGGGCCCTTGGAGCCGCAG[CCT>C]CTCGGCGCTGCTGCTGCTGCTGCAGGTACCCCGGATCCCCTGACTTGCGAGGGACGCATT-3'

ClinVar aggregate classification (germline): Pathogenic (1 of 4 stars; one submission).

Conditions:
Hereditary diffuse gastric adenocarcinoma (HDGC). Also called: DIFFUSE GASTRIC AND LOBULAR BREAST CANCER SYNDROME. Identifiers: Orphanet 26106, MedGen C1708349, MONDO:0007648, OMIM 137215.

Submission:

Myriad Genetics, Inc.
Classification: Pathogenic for Hereditary diffuse gastric adenocarcinoma. Last evaluated: 2023-06-08. Review status: criteria provided, single submitter. Criteria: Myriad Autosomal Dominant, Autosomal Recessive and X-Linked Classification Criteria (2023). Collection method: clinical testing. Allele origin: unknown.
Comment: This variant is considered pathogenic. This variant creates a frameshift predicted to result in premature protein truncation.